The following is an entry in ClinVar:

NM_024101.7(MLPH):c.880+254T>G

Gene: MLPH (melanophilin; plus strand). Cytogenetic location: 2q37.3.
Variant type: single nucleotide variant.
Coding change: c.880+254T>G on transcript NM_024101.7 (MANE Select); 254 bases into the intron after coding-DNA position 880, T replaced by G.
Molecular consequence: intron variant.
Genome position (GRCh38, 1-based): chr2:237,526,059, T>G. VCF-style: chr2-237526059-T-G. GRCh37 (hg19) VCF-style: chr2-238434702-T-G.
Other names: c.675+6030T>G (NM_001281474.2); c.880+254T>G (NM_001042467.3); c.760+254T>G (NM_001281473.2).
Identifiers: ClinVar variation 1233750 (VCV001233750.3), dbSNP rs11891426, ClinGen allele CA11175551.

ClinVar aggregate classification (germline): Benign (1 of 4 stars; one submission).

Allele frequency attached by ClinVar (database versions not stated): gnomAD 0.29741 and 0.30513; TOPMed 0.30941; 1000 Genomes Project 0.31909; 1000 Genomes Project 30x 0.32636.
gnomAD v4.1: 45,044 of 152,072 alleles (30%); highest among the groups gnomAD compares: African/African-American, 60%; 9,507 homozygotes.

Submission:

GeneDx
Classification: Benign. Last evaluated: 2018-11-12. Review status: criteria provided, single submitter. Criteria: GeneDx Variant Classification Process June 2021. Collection method: clinical testing. Allele origin: germline. Affected: yes.
Comment: This variant is associated with the following publications: (PMID: 26411452)